The following is an entry in ClinVar:

ClinVar aggregate classification (germline): Uncertain significance (1 of 4 stars; one submission).

Conditions:
Distal hereditary motor neuropathy type 2. Identifiers: Orphanet 139525, MedGen C3711384, MeSH C580044, MONDO:0015352.

Allele frequency attached by ClinVar (database versions not stated): ExAC 0.00001; TOPMed 0.00001; gnomAD 0.00002; gnomAD exomes 0.00001.
gnomAD v4.1: 17 of 1,613,578 alleles (0.0011%); highest among the groups gnomAD compares: African/African-American, 0.004%; no homozygotes.

Submission:

Labcorp Genetics (formerly Invitae), Labcorp
Classification: Uncertain significance for Distal hereditary motor neuropathy type 2. Last evaluated: 2025-04-02. Review status: criteria provided, single submitter. Criteria: Invitae Variant Classification Sherloc (09022015). Collection method: clinical testing. Allele origin: germline.
Comment: This sequence change replaces isoleucine, which is neutral and non-polar, with valine, which is neutral and non-polar, at codon 593 of the FBXO38 protein (p.Ile593Val). This variant is present in population databases (rs780773753, gnomAD 0.008%). This variant has not been reported in the literature in individuals affected with FBXO38-related conditions. ClinVar contains an entry for this variant (Variation ID: 855843). Invitae Evidence Modeling of protein sequence and biophysical properties (such as structural, functional, and spatial information, amino acid conservation, physicochemical variation, residue mobility, and thermodynamic stability) indicates that this missense variant is not expected to disrupt FBXO38 protein function with a negative predictive value of 80%. In summary, the available evidence is currently insufficient to determine the role of this variant in disease. Therefore, it has been classified as a Variant of Uncertain Significance.

NM_205836.3(FBXO38):c.1777A>G (p.Ile593Val)

Gene: FBXO38 (F-box protein 38; plus strand). Cytogenetic location: 5q32.
Variant type: single nucleotide variant.
Coding change: c.1777A>G on transcript NM_205836.3 (MANE Select); coding-DNA position 1777, A replaced by G.
Protein change: p.Ile593Val; replaces isoleucine 593 with valine.
Molecular consequence: missense variant.
Genome position (GRCh38, 1-based): chr5:148,425,560, A>G. VCF-style: chr5-148425560-A-G. GRCh37 (hg19) VCF-style: chr5-147805123-A-G.
Other names: c.1777A>G, p.Ile593Val (NM_001271723.2, NM_030793.5); short protein forms I593V.
Identifiers: ClinVar variation 855843 (VCV000855843.11), dbSNP rs780773753, ClinGen allele CA3497381.